The following is an entry in ClinVar:

ClinVar aggregate classification (germline): Pathogenic (1 of 4 stars; one submission).

Conditions:
Birt-Hogg-Dube syndrome. Also called: Birt Hogg Dubé syndrome. Identifiers: Orphanet 122, MedGen C0346010, MONDO:0800444.

Submission:

Labcorp Genetics (formerly Invitae), Labcorp
Classification: Pathogenic for Birt-Hogg-Dube syndrome. Last evaluated: 2024-04-06. Review status: criteria provided, single submitter. Criteria: Invitae Variant Classification Sherloc (09022015). Collection method: clinical testing. Allele origin: germline.
Comment: This sequence change creates a premature translational stop signal (p.Glu275*) in the FLCN gene. It is expected to result in an absent or disrupted protein product. Loss-of-function variants in FLCN are known to be pathogenic (PMID: 15852235). This variant is not present in population databases (gnomAD no frequency). This variant has not been reported in the literature in individuals affected with FLCN-related conditions. For these reasons, this variant has been classified as Pathogenic.

Literature cited by the submitters: PubMed 15852235.

NM_144997.7(FLCN):c.823G>T (p.Glu275Ter)

Gene: FLCN (folliculin; minus strand). Cytogenetic location: 17p11.2.
Variant type: single nucleotide variant.
Coding change: c.823G>T on transcript NM_144997.7 (MANE Select); coding-DNA position 823, G replaced by T.
Protein change: p.Glu275Ter; replaces glutamic acid 275 with a stop codon.
Molecular consequence: nonsense.
Genome position (GRCh38, 1-based): chr17:17,221,585, C>A on the plus strand (G>T on the coding strand, the complement: FLCN is on the minus strand). VCF-style: chr17-17221585-C-A. GRCh37 (hg19) VCF-style: chr17-17124899-C-A.
Other names: c.877G>T, p.Glu293Ter (NM_001353229.2); c.823G>T, p.Glu275Ter (NM_001353230.2, NM_001353231.2, NM_144606.7); short protein forms E293*, E275*.
Identifiers: ClinVar variation 3648950 (VCV003648950.2).